The following is an entry in ClinVar:

ClinVar aggregate classification (germline): Uncertain significance. Review status: criteria provided, multiple submitters, no conflicts (2 of 4 stars). 3 submissions from 3 submitters: Uncertain significance (3). Last evaluated 2025-11-01.

Conditions:
DiGeorge syndrome. Also called: THIRD AND FOURTH PHARYNGEAL POUCH SYNDROME; Catch22. Identifiers: Orphanet 567, MedGen C0012236, MONDO:0008564, OMIM 188400.
Cardiovascular phenotype. Identifiers: MedGen CN230736.
Conotruncal heart malformations (CTHM). Also called: Conotruncal heart malformations, variable. Identifiers: Orphanet 2445, Orphanet 3384, Orphanet 3426, MedGen C1857586, MONDO:0016581, OMIM 217095.
Tetralogy of Fallot (TOF). Identifiers: Orphanet 3303, MedGen C0039685, MONDO:0008542, OMIM 187500, HP:0001636.
Velocardiofacial syndrome (VCFS). Also called: SHPRINTZEN VCF SYNDROME; VCF SYNDROME; Shprintzen syndrome. Identifiers: Orphanet 567, MedGen C0220704, MONDO:0008644, OMIM 192430. Disease mechanism: loss of function.

Allele frequency attached by ClinVar (database versions not stated): TOPMed 0.00002; 1000 Genomes Project 30x 0.00016.

Submissions (3):

Labcorp Genetics (formerly Invitae), Labcorp
Classification: Uncertain significance for DiGeorge syndrome. Last evaluated: 2025-11-01. Review status: criteria provided, single submitter. Criteria: Invitae Variant Classification Sherloc (09022015). Collection method: clinical testing. Allele origin: germline.
Comment: This sequence change replaces histidine, which is basic and polar, with glutamine, which is neutral and polar, at codon 451 of the TBX1 protein (p.His451Gln). This variant is present in population databases (rs367711718, gnomAD 0.01%). This variant has not been reported in the literature in individuals affected with TBX1-related conditions. ClinVar contains an entry for this variant (Variation ID: 956184). An algorithm developed to predict the effect of missense changes on protein structure and function (PolyPhen-2) suggests that this variant is likely to be disruptive. In summary, the available evidence is currently insufficient to determine the role of this variant in disease. Therefore, it has been classified as a Variant of Uncertain Significance.

Ambry Genetics
Classification: Uncertain significance for Cardiovascular phenotype. Last evaluated: 2025-04-10. Review status: criteria provided, single submitter. Criteria: Ambry Variant Classification Scheme 2023. Collection method: clinical testing. Allele origin: germline.

Fulgent Genetics
Classification: Uncertain significance for Tetralogy of Fallot; DiGeorge syndrome; Velocardiofacial syndrome; Conotruncal heart malformations. Last evaluated: 2024-02-09. Review status: criteria provided, single submitter. Criteria: ACMG Guidelines, 2015. Collection method: clinical testing. Allele origin: germline.

NM_001379200.1(TBX1):c.1380T>G (p.His460Gln)

Gene: TBX1 (T-box transcription factor 1; plus strand). Cytogenetic location: 22q11.21.
Variant type: single nucleotide variant.
Coding change: c.1380T>G on transcript NM_001379200.1 (MANE Select); coding-DNA position 1380, T replaced by G.
Protein change: p.His460Gln; replaces histidine 460 with glutamine.
Molecular consequence: missense variant. On other transcripts: intron variant (2).
Genome position (GRCh38, 1-based): chr22:19,766,732, T>G. VCF-style: chr22-19766732-T-G. GRCh37 (hg19) VCF-style: chr22-19754255-T-G.
Other names: c.1353T>G, p.His451Gln (NM_080647.1); c.1009+730T>G (NM_005992.1, NM_080646.2); short protein forms H451Q, H460Q.
Identifiers: ClinVar variation 956184 (VCV000956184.12), dbSNP rs367711718, ClinGen allele CA10102731.